The following is an entry in ClinVar:

ClinVar aggregate classification (germline): Uncertain significance. Review status: criteria provided, multiple submitters, no conflicts (2 of 4 stars). 3 submissions from 3 submitters: Uncertain significance (3). Last evaluated 2026-08-29.

Conditions:
POLG2-related disorder. Also called: POLG2-related condition; POLG2-related disorders.

Allele frequency attached by ClinVar (database versions not stated): gnomAD exomes 0.00002 and 0.00003; TOPMed 0.00002; ExAC 0.00003; gnomAD 0.00004.
gnomAD v4.1: 53 of 1,613,858 alleles (0.0033%); highest among the groups gnomAD compares: Non-Finnish European, 0.0036%; no homozygotes.

Submissions (3):

PreventionGenetics, part of Exact Sciences
Classification: Uncertain significance for POLG2-related condition. Last evaluated: 2026-08-29. Review status: criteria provided, single submitter. Criteria: ACMG Guidelines, 2015. Collection method: clinical testing. Allele origin: germline.
Comment: The POLG2 c.290C>T variant is predicted to result in the amino acid substitution p.Pro97Leu. To our knowledge, this variant has not been reported in the literature. This variant is reported in 0.0080% of alleles in individuals of European (Finnish) descent in gnomAD. At this time, the clinical significance of this variant is uncertain due to the absence of conclusive functional and genetic evidence.

Labcorp Genetics (formerly Invitae), Labcorp
Classification: Uncertain significance. Last evaluated: 2025-12-24. Review status: criteria provided, single submitter. Criteria: Invitae Variant Classification Sherloc (09022015). Collection method: clinical testing. Allele origin: germline.
Comment: This sequence change replaces proline, which is neutral and non-polar, with leucine, which is neutral and non-polar, at codon 97 of the POLG2 protein (p.Pro97Leu). This variant is present in population databases (rs782219499, gnomAD 0.008%). This variant has not been reported in the literature in individuals affected with POLG2-related conditions. ClinVar contains an entry for this variant (Variation ID: 374490). An algorithm developed to predict the effect of missense changes on protein structure and function (PolyPhen-2) suggests that this variant is likely to be tolerated. In summary, the available evidence is currently insufficient to determine the role of this variant in disease. Therefore, it has been classified as a Variant of Uncertain Significance.

CeGaT Center for Human Genetics Tuebingen
Classification: Uncertain significance. Last evaluated: 2016-08-01. Review status: criteria provided, single submitter. Criteria: CeGaT Center For Human Genetics Tuebingen Variant Classification Criteria Version 2. Collection method: clinical testing. Allele origin: germline. Affected: yes. Observed: 1 variant allele.

NM_007215.4(POLG2):c.290C>T (p.Pro97Leu)

Genes: POLG2 (DNA polymerase gamma 2, accessory subunit; minus strand), MILR1 (mast cell immunoglobulin like receptor 1; plus strand). Cytogenetic location: 17q23.3.
Variant type: single nucleotide variant.
Coding change: c.290C>T on transcript NM_007215.4 (MANE Select); coding-DNA position 290, C replaced by T.
Protein change: p.Pro97Leu; replaces proline 97 with leucine.
Molecular consequence: missense variant.
Genome position (GRCh38, 1-based): chr17:64,496,679, G>A on the plus strand (C>T on the coding strand, the complement: POLG2 is on the minus strand). VCF-style: chr17-64496679-G-A. GRCh37 (hg19) VCF-style: chr17-62492797-G-A.
Other names: c.290C>T (NM_007215.3); short protein forms P97L.
Identifiers: ClinVar variation 374490 (VCV000374490.48), dbSNP rs782219499, ClinGen allele CA8713062.